The following is an entry in ClinVar:

NM_001130004.2(ACTN1):c.326C>G (p.Ser109Cys)

Gene: ACTN1 (actinin alpha 1; minus strand). Cytogenetic location: 14q24.1.
Variant type: single nucleotide variant.
Coding change: c.326C>G on transcript NM_001130004.2 (MANE Select); coding-DNA position 326, C replaced by G.
Protein change: p.Ser109Cys; replaces serine 109 with cysteine.
Molecular consequence: missense variant. On other transcripts: 5 prime UTR variant (1).
Genome position (GRCh38, 1-based): chr14:68,921,020, G>C on the plus strand (C>G on the coding strand, the complement: ACTN1 is on the minus strand). VCF-style: chr14-68921020-G-C. GRCh37 (hg19) VCF-style: chr14-69387737-G-C.
Other names: p.Ser109Cys; c.326C>G, p.Ser109Cys (NM_001102.4, NM_001130005.2, NM_001411035.1 and 9 more transcripts); c.131C>G, p.Ser44Cys (NM_001411036.1, NM_001424026.1, NM_001424028.1); c.452C>G, p.Ser151Cys (NM_001424013.1); c.413C>G, p.Ser138Cys (NM_001424015.1); c.323C>G, p.Ser108Cys (NM_001424017.1); c.263C>G, p.Ser88Cys (NM_001424018.1, NM_001424020.1, NM_001424022.1); c.257C>G, p.Ser86Cys (NM_001424021.1); and 1 more; short protein forms S108C, S109C, S138C, S151C, S44C, S86C, S88C.
Identifiers: ClinVar variation 3380218 (VCV003380218.3).

ClinVar aggregate classification (germline): Uncertain significance. Review status: criteria provided, multiple submitters, no conflicts (2 of 4 stars). 2 submissions from 2 submitters: Uncertain significance (2). Last evaluated 2024-09-12.

gnomAD v4.1: 26 of 1,614,144 alleles (0.0016%); highest among the groups gnomAD compares: Non-Finnish European, 0.0019%; no homozygotes.

Submissions (2):

Labcorp Genetics (formerly Invitae), Labcorp
Classification: Uncertain significance. Last evaluated: 2024-09-12. Review status: criteria provided, single submitter. Criteria: Invitae Variant Classification Sherloc (09022015). Collection method: clinical testing. Allele origin: germline.
Comment: This sequence change replaces serine, which is neutral and polar, with cysteine, which is neutral and slightly polar, at codon 109 of the ACTN1 protein (p.Ser109Cys). This variant is present in population databases (no rsID available, gnomAD 0.003%). This variant has not been reported in the literature in individuals affected with ACTN1-related conditions. Invitae Evidence Modeling of protein sequence and biophysical properties (such as structural, functional, and spatial information, amino acid conservation, physicochemical variation, residue mobility, and thermodynamic stability) indicates that this missense variant is expected to disrupt ACTN1 protein function with a positive predictive value of 80%. In summary, the available evidence is currently insufficient to determine the role of this variant in disease. Therefore, it has been classified as a Variant of Uncertain Significance.

Mayo Clinic Laboratories, Mayo Clinic
Classification: Uncertain significance. Last evaluated: 2024-02-29. Review status: criteria provided, single submitter. Criteria: ACMG Guidelines, 2015. Collection method: clinical testing. Allele origin: germline. Observed: 1 variant allele.
Comment: PP2, PP3, PM1_supporting, PM2_moderate